The following is an entry in ClinVar:

NM_006941.4(SOX10):c.1077G>C (p.Glu359Asp)

Genes: POLR2F (RNA polymerase II, I and III subunit F; plus strand), SOX10 (SRY-box transcription factor 10; minus strand). Cytogenetic location: 22q13.1.
Variant type: single nucleotide variant.
Coding change: c.1077G>C on transcript NM_006941.4 (MANE Select); coding-DNA position 1077, G replaced by C.
Protein change: p.Glu359Asp; replaces glutamic acid 359 with aspartic acid.
Molecular consequence: missense variant. On other transcripts: intron variant (3).
Genome position (GRCh38, 1-based): chr22:37,973,819, C>G on the plus strand (G>C on the coding strand, the complement: SOX10 is on the minus strand). VCF-style: chr22-37973819-C-G. GRCh37 (hg19) VCF-style: chr22-38369826-C-G.
Other names: c.*38+1509C>G (NM_001363825.1); c.293+6649C>G (NM_001301130.2, NM_001301131.2); short protein forms E359D.
Identifiers: ClinVar variation 767431 (VCV000767431.15), dbSNP rs764180850, ClinGen allele CA10228536.

ClinVar aggregate classification (germline): Conflicting classifications of pathogenicity. Review status: criteria provided, conflicting classifications (1 of 4 stars). 4 submissions from 4 submitters: Uncertain significance (1); Likely benign (2). 1 of the submissions does not count toward it. Last evaluated 2025-10-22.

Conditions:
SOX10-related disorder. Also called: SOX10-related condition.

Allele frequency attached by ClinVar (database versions not stated): TOPMed 0.00002; gnomAD exomes 0.00003 and 0.00006; ExAC 0.00005.
gnomAD v4.1: 51 of 1,601,094 alleles (0.0032%); highest among the groups gnomAD compares: South Asian, 0.026%; 1 homozygote.

Submissions (4):

GeneDx
Classification: Uncertain significance. Last evaluated: 2025-10-22. Review status: criteria provided, single submitter. Criteria: GeneDx Variant Classification Process June 2021. Collection method: clinical testing. Allele origin: germline.
Comment: In silico analysis supports that this missense variant has a deleterious effect on protein structure/function; Has not been previously published as pathogenic or benign to our knowledge

Labcorp Genetics (formerly Invitae), Labcorp
Classification: Likely benign. Last evaluated: 2025-03-16. Review status: criteria provided, single submitter. Criteria: Invitae Variant Classification Sherloc (09022015). Collection method: clinical testing. Allele origin: germline.

Blueprint Genetics
Classification: Likely benign. Last evaluated: 2023-07-13. Review status: criteria provided, single submitter. Criteria: ACMG Guidelines, 2015. Collection method: clinical testing. Allele origin: germline.

PreventionGenetics, part of Exact Sciences
Classification: Uncertain significance for SOX10-related condition. Last evaluated: 2024-02-27. Review status: no assertion criteria provided. Collection method: clinical testing. Allele origin: germline. Not counted in ClinVar's aggregate classification.
Comment: The SOX10 c.1077G>C variant is predicted to result in the amino acid substitution p.Glu359Asp. To our knowledge, this variant has not been reported in the literature. This variant is reported in 0.039% of alleles in individuals of South Asian descent in gnomAD. At this time, the clinical significance of this variant is uncertain due to the absence of conclusive functional and genetic evidence.